The following is an entry in ClinVar:

NM_006796.3(AFG3L2):c.148A>G (p.Ser50Gly)

Gene: AFG3L2 (AFG3 like matrix AAA peptidase subunit 2; minus strand). Cytogenetic location: 18p11.21.
Variant type: single nucleotide variant.
Coding change: c.148A>G on transcript NM_006796.3 (MANE Select); coding-DNA position 148, A replaced by G.
Protein change: p.Ser50Gly; replaces serine 50 with glycine.
Molecular consequence: missense variant.
Genome position (GRCh38, 1-based): chr18:12,371,658, T>C on the plus strand (A>G on the coding strand, the complement: AFG3L2 is on the minus strand). VCF-style: chr18-12371658-T-C. GRCh37 (hg19) VCF-style: chr18-12371657-T-C.
Other names: short protein forms S50G.
Identifiers: ClinVar variation 1308354 (VCV001308354.2), dbSNP rs1568147292, ClinGen allele CA401955362.

ClinVar aggregate classification (germline): Uncertain significance (1 of 4 stars; one submission).

Allele frequency attached by ClinVar (database versions not stated): gnomAD exomes below 0.00001.
gnomAD v4.1: 4 of 1,614,140 alleles (0.00025%); highest among the groups gnomAD compares: South Asian, 0.0011%; no homozygotes.

Submission:

GeneDx
Classification: Uncertain significance. Last evaluated: 2019-03-29. Review status: criteria provided, single submitter. Criteria: GeneDx Variant Classification Process June 2021. Collection method: clinical testing. Allele origin: germline. Affected: yes.
Comment: Not observed in large population cohorts (Lek et al., 2016); In silico analysis, which includes protein predictors and evolutionary conservation, supports that this variant does not alter protein structure/function; Has not been previously published as pathogenic or benign to our knowledge